The following is an entry in ClinVar:

NM_001134407.3(GRIN2A):c.1363T>C (p.Cys455Arg)

Gene: GRIN2A (glutamate ionotropic receptor NMDA type subunit 2A; minus strand). Cytogenetic location: 16p13.2.
Variant type: single nucleotide variant.
Coding change: c.1363T>C on transcript NM_001134407.3 (MANE Select); coding-DNA position 1363, T replaced by C.
Protein change: p.Cys455Arg; replaces cysteine 455 with arginine.
Molecular consequence: missense variant.
Genome position (GRCh38, 1-based): chr16:9,841,070, A>G on the plus strand (T>C on the coding strand, the complement: GRIN2A is on the minus strand). VCF-style: chr16-9841070-A-G. GRCh37 (hg19) VCF-style: chr16-9934927-A-G.
Other names: c.1363T>C (NM_000833.3); c.1363T>C, p.Cys455Arg (NM_000833.5, NM_001134408.2); short protein forms C455R.
Identifiers: ClinVar variation 3581603 (VCV003581603.2).

ClinVar aggregate classification (germline): Conflicting classifications of pathogenicity. Review status: criteria provided, conflicting classifications (1 of 4 stars). 2 submissions from 2 submitters: Likely pathogenic (1); Uncertain significance (1). Last evaluated 2026-04-07.

Conditions:
Landau-Kleffner syndrome (FESD). Also called: EPILEPSY, FOCAL, WITH SPEECH DISORDER AND WITH OR WITHOUT MENTAL RETARDATION; APHASIA, ACQUIRED, WITH EPILEPSY. Identifiers: Orphanet 1945, Orphanet 725, Orphanet 98818, MedGen C0282512, MONDO:0009509, OMIM 245570.

Submissions (2):

GeneDx
Classification: Likely pathogenic. Last evaluated: 2026-04-07. Review status: criteria provided, single submitter. Criteria: GeneDx Variant Classification Process June 2021. Collection method: clinical testing. Allele origin: germline.
Comment: Not observed at significant frequency in large population cohorts (gnomAD); In silico analysis supports that this missense variant has a deleterious effect on protein structure/function; Has not been previously published as pathogenic or benign to our knowledge; This variant is associated with the following publications: (PMID: 27839871)

Fulgent Genetics
Classification: Uncertain significance for Landau-Kleffner syndrome. Last evaluated: 2024-02-13. Review status: criteria provided, single submitter. Criteria: ACMG Guidelines, 2015. Collection method: clinical testing. Allele origin: germline.